The following is an entry in ClinVar:

ClinVar aggregate classification (germline): Uncertain significance (1 of 4 stars; one submission).

Conditions:
Megalencephaly-polymicrogyria-postaxial polydactyly-hydrocephalus syndrome. Also called: MPPH Syndrome; MEG-PMG-MEGACC SYNDROME. Identifiers: Orphanet 83473, MedGen C1863924, MONDO:0019375.

Allele frequency attached by ClinVar (database versions not stated): gnomAD exomes 0.00001; TOPMed 0.00002; gnomAD 0.00003; ESP Exome Variant Server 0.00008; 1000 Genomes Project 30x 0.00016; 1000 Genomes Project 0.00020.
gnomAD v4.1: 14 of 1,610,652 alleles (0.00087%); highest among the groups gnomAD compares: African/African-American, 0.011%; no homozygotes.

Submission:

Labcorp Genetics (formerly Invitae), Labcorp
Classification: Uncertain significance for Megalencephaly-polymicrogyria-postaxial polydactyly-hydrocephalus syndrome. Last evaluated: 2025-11-17. Review status: criteria provided, single submitter. Criteria: Invitae Variant Classification Sherloc (09022015). Collection method: clinical testing. Allele origin: germline.
Comment: This sequence change replaces alanine, which is neutral and non-polar, with threonine, which is neutral and polar, at codon 317 of the PIK3R2 protein (p.Ala317Thr). This variant is not present in population databases (gnomAD no frequency). This variant has not been reported in the literature in individuals affected with PIK3R2-related conditions. ClinVar contains an entry for this variant (Variation ID: 2034894). Invitae Evidence Modeling of protein sequence and biophysical properties (such as structural, functional, and spatial information, amino acid conservation, physicochemical variation, residue mobility, and thermodynamic stability) indicates that this missense variant is not expected to disrupt PIK3R2 protein function with a negative predictive value of 95%. In summary, the available evidence is currently insufficient to determine the role of this variant in disease. Therefore, it has been classified as a Variant of Uncertain Significance.

NM_005027.4(PIK3R2):c.949G>A (p.Ala317Thr)

Gene: PIK3R2 (phosphoinositide-3-kinase regulatory subunit 2; plus strand). Cytogenetic location: 19p13.11.
Variant type: single nucleotide variant.
Coding change: c.949G>A on transcript NM_005027.4 (MANE Select); coding-DNA position 949, G replaced by A.
Protein change: p.Ala317Thr; replaces alanine 317 with threonine.
Molecular consequence: missense variant. On other transcripts: non-coding transcript variant (2).
Genome position (GRCh38, 1-based): chr19:18,162,249, G>A. VCF-style: chr19-18162249-G-A. GRCh37 (hg19) VCF-style: chr19-18273059-G-A.
Other names: short protein forms A317T.
Identifiers: ClinVar variation 2034894 (VCV002034894.4), dbSNP rs372002637, ClinGen allele CA306171102.